The following is an entry in ClinVar:

NM_001173990.3(TMEM216):c.431G>A (p.Arg144Lys)

Gene: TMEM216 (transmembrane protein 216; plus strand). Cytogenetic location: 11q12.2.
Variant type: single nucleotide variant.
Coding change: c.431G>A on transcript NM_001173990.3 (MANE Select); coding-DNA position 431, G replaced by A.
Protein change: p.Arg144Lys; replaces arginine 144 with lysine.
Molecular consequence: missense variant.
Genome position (GRCh38, 1-based): chr11:61,397,975, G>A. VCF-style: chr11-61397975-G-A. GRCh37 (hg19) VCF-style: chr11-61165447-G-A.
Other names: c.431G>A, p.Ser144Asn (NM_001173991.3); c.248G>A, p.Arg83Lys (NM_001330285.2); c.248G>A, p.Ser83Asn (NM_016499.6); short protein forms S144N, S83N, R83K, R144K.
Identifiers: ClinVar variation 4704621 (VCV004704621.1).

ClinVar aggregate classification (germline): Uncertain significance (1 of 4 stars; one submission).

Conditions:
Joubert syndrome. Also called: CEREBELLOPARENCHYMAL DISORDER IV; JOUBERT-BOLTSHAUSER SYNDROME; Familial aplasia of the vermis. Identifiers: Orphanet 475, MedGen C5979921, MONDO:0018772.

Submission:

Labcorp Genetics (formerly Invitae), Labcorp
Classification: Uncertain significance for Joubert syndrome. Last evaluated: 2025-06-20. Review status: criteria provided, single submitter. Criteria: Invitae Variant Classification Sherloc (09022015). Collection method: clinical testing. Allele origin: germline.
Comment: This sequence change affects codon 144 of the TMEM216 mRNA. It is a 'silent' change, meaning that it does not change the encoded amino acid sequence of the TMEM216 protein. This variant also falls at the last nucleotide of exon 4, which is part of the consensus splice site for this exon. This variant is not present in population databases (gnomAD no frequency). This variant has not been reported in the literature in individuals affected with TMEM216-related conditions. An algorithm developed to predict the effect of missense changes on protein structure and function (PolyPhen-2) suggests that this variant is likely to be tolerated. Variants that disrupt the consensus splice site are a relatively common cause of aberrant splicing (PMID: 17576681, 9536098). Algorithms developed to predict the effect of sequence changes on RNA splicing suggest that this variant may disrupt the consensus splice site. In summary, the available evidence is currently insufficient to determine the role of this variant in disease. Therefore, it has been classified as a Variant of Uncertain Significance.

Literature cited by the submitters: PubMed 17576681; PubMed 9536098.